The following is an entry in ClinVar:

ClinVar aggregate classification (germline): Uncertain significance. Review status: criteria provided, single submitter (1 of 4 stars). 2 submissions from 2 submitters: Uncertain significance (1). 1 of the submissions does not count toward it. Last evaluated 2022-06-22.

Conditions:
Dyskeratosis congenita, digenic (DKCD). Identifiers: MedGen C5774217, MONDO:0031057, OMIM 620040.
Dyskeratosis congenita. Identifiers: Orphanet 1775, MedGen C0265965, MONDO:0015780.

Submissions (2):

Bone Marrow Failure laboratory, Queen Mary University London
Classification: Uncertain significance for Dyskeratosis congenita. Last evaluated: 2022-06-22. Review status: criteria provided, single submitter. Criteria: ACMG Guidelines, 2015. Collection method: research. Allele origin: germline. Inheritance: Oligogenic inheritance. Affected: yes.
Comment: The following ACMG/AMP criteria were used: PM2_supporting

OMIM
Classification: Pathogenic for DYSKERATOSIS CONGENITA, DIGENIC. Last evaluated: 2022-09-22. Review status: no assertion criteria provided. Collection method: literature only. Allele origin: germline. Not counted in ClinVar's aggregate classification.

Literature cited by the submitters: PubMed 35931051 (cited by OMIM).

NM_001071.4(TYMS):c.480A>T (p.Gln160His)

Genes: ENOSF1 (enolase superfamily member 1; minus strand), TYMS (thymidylate synthetase; plus strand). Cytogenetic location: 18p11.32.
Variant type: single nucleotide variant.
Coding change: c.480A>T on transcript NM_001071.4 (MANE Select); coding-DNA position 480, A replaced by T.
Protein change: p.Gln160His; replaces glutamine 160 with histidine.
Molecular consequence: missense variant. On other transcripts: intron variant (1).
Genome position (GRCh38, 1-based): chr18:669,097, A>T. VCF-style: chr18-669097-A-T. GRCh37 (hg19) VCF-style: chr18-669097-A-T.
Other names: c.231A>T, p.Gln77His (NM_001354868.2); c.455-1595A>T (NM_001354867.2); short protein forms Q160H, Q77H.
Identifiers: ClinVar variation 1693536 (VCV001693536.3), dbSNP rs894600614, ClinGen allele CA401670509.